The following is an entry in ClinVar:

NM_198252.3(GSN):c.167A>G (p.Asn56Ser)

Gene: GSN (gelsolin; plus strand). Cytogenetic location: 9q33.2.
Variant type: single nucleotide variant.
Coding change: c.167A>G on transcript NM_198252.3 (MANE Select); coding-DNA position 167, A replaced by G.
Protein change: p.Asn56Ser; replaces asparagine 56 with serine.
Molecular consequence: missense variant. On other transcripts: intron variant (1).
Genome position (GRCh38, 1-based): chr9:121,302,138, A>G. VCF-style: chr9-121302138-A-G. GRCh37 (hg19) VCF-style: chr9-124064416-A-G.
Other names: c.239A>G, p.Asn80Ser (NM_001353076.2); c.200A>G, p.Asn67Ser (NM_001353077.1, NM_001353068.2, NM_001353069.2 and 13 more transcripts); c.-458-773A>G (NM_001353078.2); c.320A>G, p.Asn107Ser (NM_000177.5); c.167A>G, p.Asn56Ser (NM_001127662.2, NM_001127664.2, NM_001127665.2 and 10 more transcripts); c.275A>G, p.Asn92Ser (NM_001127663.2); c.218A>G, p.Asn73Ser (NM_001258029.2); c.191A>G, p.Asn64Ser (NM_001258030.2); short protein forms N107S, N73S, N56S, N64S, N80S, N67S, N92S.
Identifiers: ClinVar variation 3664456 (VCV003664456.2).

ClinVar aggregate classification (germline): Uncertain significance (1 of 4 stars; one submission).

gnomAD v4.1: 1 of 1,614,004 alleles (0.000062%); highest among the groups gnomAD compares: Non-Finnish European, 0.000085%; no homozygotes.

Submission:

Labcorp Genetics (formerly Invitae), Labcorp
Classification: Uncertain significance. Last evaluated: 2024-09-04. Review status: criteria provided, single submitter. Criteria: Invitae Variant Classification Sherloc (09022015). Collection method: clinical testing. Allele origin: germline.
Comment: This sequence change replaces asparagine, which is neutral and polar, with serine, which is neutral and polar, at codon 107 of the GSN protein (p.Asn107Ser). This variant is present in population databases (no rsID available, gnomAD 0.007%). This variant has not been reported in the literature in individuals affected with GSN-related conditions. An algorithm developed to predict the effect of missense changes on protein structure and function outputs the following: PolyPhen-2: "Benign". The serine amino acid residue is found in multiple mammalian species, which suggests that this missense change does not adversely affect protein function. In summary, the available evidence is currently insufficient to determine the role of this variant in disease. Therefore, it has been classified as a Variant of Uncertain Significance.